The following is an entry in ClinVar:

ClinVar aggregate classification (germline): Uncertain significance (1 of 4 stars; one submission).

Conditions:
Propionic acidemia (PROP). Also called: GLYCINEMIA, KETOTIC; HYPERGLYCINEMIA WITH KETOACIDOSIS AND LEUKOPENIA; KETOTIC HYPERGLYCINEMIA. Identifiers: Orphanet 35, MedGen C0268579, MONDO:0011628, OMIM 606054, HP:0003571.

gnomAD v4.1: 3 of 1,526,858 alleles (0.0002%); highest among the groups gnomAD compares: African/African-American, 0.0014%; no homozygotes.

Submission:

Labcorp Genetics (formerly Invitae), Labcorp
Classification: Uncertain significance for Propionic acidemia. Last evaluated: 2022-01-06. Review status: criteria provided, single submitter. Criteria: Invitae Variant Classification Sherloc (09022015). Collection method: clinical testing. Allele origin: germline.
Comment: This sequence change replaces alanine, which is neutral and non-polar, with glutamic acid, which is acidic and polar, at codon 2 of the PCCB protein (p.Ala2Glu). This variant has not been reported in the literature in individuals affected with PCCB-related conditions. This variant is not present in population databases (gnomAD no frequency). In summary, the available evidence is currently insufficient to determine the role of this variant in disease. Therefore, it has been classified as a Variant of Uncertain Significance. Advanced modeling of protein sequence and biophysical properties (such as structural, functional, and spatial information, amino acid conservation, physicochemical variation, residue mobility, and thermodynamic stability) performed at Invitae indicates that this missense variant is not expected to disrupt PCCB protein function.

NM_000532.5(PCCB):c.5C>A (p.Ala2Glu)

Gene: PCCB (propionyl-CoA carboxylase subunit beta; plus strand). Cytogenetic location: 3q22.3.
Variant type: single nucleotide variant.
Coding change: c.5C>A on transcript NM_000532.5 (MANE Select); coding-DNA position 5, C replaced by A.
Protein change: p.Ala2Glu; replaces alanine 2 with glutamic acid.
Molecular consequence: missense variant.
Genome position (GRCh38, 1-based): chr3:136,250,380, C>A. VCF-style: chr3-136250380-C-A. GRCh37 (hg19) VCF-style: chr3-135969222-C-A.
Other names: c.5C>A, p.Ala2Glu (NM_001178014.2); short protein forms A2E.
Identifiers: ClinVar variation 2165024 (VCV002165024.4), dbSNP rs748003396, ClinGen allele CA354737815.